The following is an entry in ClinVar:

ClinVar aggregate classification (germline): Pathogenic (1 of 4 stars; one submission).

Conditions:
Tuberous sclerosis 2 (TSC2). Identifiers: Orphanet 805, MedGen C1860707, MONDO:0013199, OMIM 613254.

Submission:

Labcorp Genetics (formerly Invitae), Labcorp
Classification: Pathogenic for Tuberous sclerosis 2. Last evaluated: 2024-02-23. Review status: criteria provided, single submitter. Criteria: Invitae Variant Classification Sherloc (09022015). Collection method: clinical testing. Allele origin: germline.
Comment: This variant, c.3596_3598del, is a complex sequence change that results in the deletion of 2 and insertion of 1 amino acid(s) in the TSC2 protein (p.Val1199_Arg1200delinsGly). This variant is not present in population databases (gnomAD no frequency). This variant has been observed in individual(s) with clinical features of tuberous sclerosis complex (Invitae). ClinVar contains an entry for this variant (Variation ID: 1406973). This variant disrupts a region of the TSC2 protein in which other variant(s) (p.Arg1200Trp) have been determined to be pathogenic (PMID: 8824881, 21332470, 22867869, 28149746). This suggests that this is a clinically significant region of the protein, and that variants that disrupt it are likely to be disease-causing. For these reasons, this variant has been classified as Pathogenic.

Literature cited by the submitters: PubMed 8824881; PubMed 21332470; PubMed 22867869; PubMed 28149746.

NM_000548.5(TSC2):c.3596_3598del (p.Val1199_Arg1200delinsGly)

Gene: TSC2 (TSC complex subunit 2; plus strand). Cytogenetic location: 16p13.3.
Variant type: Deletion.
Coding change: c.3596_3598del on transcript NM_000548.5 (MANE Select); coding-DNA positions 3596 to 3598, 3 bases deleted (TCC; older notation c.3596_3598delTCC).
Protein change: p.Val1199_Arg1200delinsGly.
Molecular consequence: inframe indel.
Genome position (GRCh38, 1-based): chr16:2,080,363-2,080,365, TCC deleted. VCF-style (leftmost placement, unchanged base first): chr16-2080362-GTCC-G. GRCh37 (hg19) VCF-style: chr16-2130363-GTCC-G.
Other names: c.3464_3466del, p.Val1155_Arg1156delinsGly (NM_001077183.3, NM_001370404.1); c.3596_3598del, p.Val1199_Arg1200delinsGly (NM_001114382.3); c.3356_3358del, p.Val1119_Arg1120delinsGly (NM_001318827.2); c.3320_3322del, p.Val1107_Arg1108delinsGly (NM_001318829.2); c.2864_2866del, p.Val955_Arg956delinsGly (NM_001318831.2); c.3497_3499del, p.Val1166_Arg1167delinsGly (NM_001318832.2); c.3467_3469del, p.Val1156_Arg1157delinsGly (NM_001363528.2, NM_001370405.1, NM_021055.3).
Identifiers: ClinVar variation 1406973 (VCV001406973.6), dbSNP rs2151462525, ClinGen allele CA2573151679.